The following is an entry in ClinVar:

ClinVar aggregate classification (germline): Likely pathogenic (1 of 4 stars; one submission).

Conditions:
Autosomal recessive limb-girdle muscular dystrophy type 2J (LGMDR10). Also called: Limb-girdle muscular dystrophy, type 2J; MUSCULAR DYSTROPHY, LIMB-GIRDLE, AUTOSOMAL RECESSIVE 10. Identifiers: Orphanet 140922, MedGen C1837342, MONDO:0012127, OMIM 608807.
Dilated cardiomyopathy 1G (CMD1G). Identifiers: Orphanet 154, MedGen C1858763, MONDO:0011400, OMIM 604145.

Submission:

Labcorp Genetics (formerly Invitae), Labcorp
Classification: Likely pathogenic for Dilated cardiomyopathy 1G; Autosomal recessive limb-girdle muscular dystrophy type 2J. Last evaluated: 2022-01-26. Review status: criteria provided, single submitter. Criteria: Invitae Variant Classification Sherloc (09022015). Collection method: clinical testing. Allele origin: germline.
Comment: This sequence change creates a premature translational stop signal (p.Ser32037Tyrfs*9) in the TTN gene. While this is not anticipated to result in nonsense mediated decay, it is expected to create a truncated TTN protein. This variant is not present in population databases (gnomAD no frequency). In summary, the currently available evidence indicates that the variant is pathogenic, but additional data are needed to prove that conclusively. Therefore, this variant has been classified as Likely Pathogenic. This variant is located in the A band of TTN (PMID: 25589632). Truncating variants in this region are significantly overrepresented in patients affected with dilated cardiomyopathy (PMID: 25589632). Truncating variants in this region have also been reported in individuals affected with autosomal recessive centronuclear myopathy (PMID: 23975875). This variant has not been reported in the literature in individuals affected with TTN-related conditions.

Literature cited by the submitters: PubMed 25589632; PubMed 23975875.

NM_001267550.2(TTN):c.96110_96113del (p.Ser32037fs)

Genes: TTN (titin; minus strand), TTN-AS1 (TTN antisense RNA 1; plus strand), LOC126806421 (CDK7 strongly-dependent group 2 enhancer GRCh37_chr2:179407630-179408829; plus strand). Cytogenetic location: 2q31.2.
Variant type: Deletion.
Coding change: c.96110_96113del on transcript NM_001267550.2 (MANE Select); coding-DNA positions 96110 to 96113, 4 bases deleted (CTGT; older notation c.96110_96113delCTGT).
Protein change: p.Ser32037fs; shifts the reading frame from serine 32037.
Molecular consequence: frameshift variant.
Genome position (GRCh38, 1-based): chr2:178,544,031-178,544,034, ACAG deleted on the plus strand (CTGT on the coding strand, the reverse complement: TTN is on the minus strand); deleting any 4 consecutive bases within chr2:178,544,031-178,544,037 gives the same sequence; the c. name uses the placement nearest the transcript's 3' end. VCF-style (leftmost placement, unchanged base first): chr2-178544030-TACAG-T. GRCh37 (hg19) VCF-style: chr2-179408757-TACAG-T.
Other names: c.91187_91190del, p.Ser30396fs (NM_001256850.1); c.68915_68918del, p.Ser22972fs (NM_003319.4); c.88406_88409del, p.Ser29469fs (NM_133378.4); c.69290_69293del, p.Ser23097fs (NM_133432.3); c.69491_69494del, p.Ser23164fs (NM_133437.4); short protein forms S22972fs, S23164fs, S29469fs, S30396fs, S23097fs, S32037fs.
Identifiers: ClinVar variation 2089483 (VCV002089483.4), dbSNP rs2468954137, ClinGen allele CA2580064664.